The following is an entry in ClinVar:

ClinVar aggregate classification (germline): Uncertain significance. Review status: criteria provided, multiple submitters, no conflicts (2 of 4 stars). 3 submissions from 3 submitters: Uncertain significance (3). Last evaluated 2026-03-27.

Conditions:
Cardiovascular phenotype. Identifiers: MedGen CN230736.
Desmin-related myofibrillar myopathy (MFM1). Also called: Desminopathy; Desmin related myopathy (former name); Desmin storage myopathy (former name); MYOFIBRILLAR MYOPATHY WITH ARRHYTHMOGENIC RIGHT VENTRICULAR CARDIOMYOPATHY; DESMIN-RELATED MYOPATHY WITH ARRHYTHMOGENIC RIGHT VENTRICULAR CARDIOMYOPATHY; Myofibrillar myopathy 1. Identifiers: Orphanet 363543, Orphanet 98909, MedGen C1832370, MONDO:0011076, OMIM 601419.

Allele frequency attached by ClinVar (database versions not stated): gnomAD 0.00001; gnomAD exomes below 0.00001.

Submissions (3):

Molecular Diagnostic Laboratory for Inherited Cardiovascular Disease, Montreal Heart Institute
Classification: Uncertain significance for Cardiovascular phenotype. Last evaluated: 2026-03-27. Review status: criteria provided, single submitter. Criteria: ACMG Guidelines, 2015. Collection method: clinical testing. Allele origin: germline. Affected: yes.
Comment: PM2, PM5, PP3

Labcorp Genetics (formerly Invitae), Labcorp
Classification: Uncertain significance for Desmin-related myofibrillar myopathy. Last evaluated: 2023-11-17. Review status: criteria provided, single submitter. Criteria: Invitae Variant Classification Sherloc (09022015). Collection method: clinical testing. Allele origin: germline.
Comment: This sequence change replaces alanine, which is neutral and non-polar, with threonine, which is neutral and polar, at codon 285 of the DES protein (p.Ala285Thr). This variant is present in population databases (no rsID available, gnomAD 0.007%). This variant has not been reported in the literature in individuals affected with DES-related conditions. ClinVar contains an entry for this variant (Variation ID: 228551). Advanced modeling of protein sequence and biophysical properties (such as structural, functional, and spatial information, amino acid conservation, physicochemical variation, residue mobility, and thermodynamic stability) has been performed at Invitae for this missense variant, however the output from this modeling did not meet the statistical confidence thresholds required to predict the impact of this variant on DES protein function. In summary, the available evidence is currently insufficient to determine the role of this variant in disease. Therefore, it has been classified as a Variant of Uncertain Significance.

Laboratory for Molecular Medicine, Mass General Brigham Personalized Medicine
Classification: Uncertain significance. Last evaluated: 2015-04-01. Review status: criteria provided, single submitter. Criteria: LMM Criteria. Collection method: clinical testing. Allele origin: germline. Observed: 1 variant allele.
Comment: The p.Ala285Thr variant in DES has not been previously reported in individuals w ith cardiomyopathy or in large population studies. Computational prediction tool s and conservation analysis suggest that this variant may impact the protein, th ough this information is not predictive enough to determine pathogenicity. In su mmary, the clinical significance of the p.Ala285Thr variant is uncertain.

Literature cited by the submitters: PubMed 23300193 (cited by Laboratory for Molecular Medicine, Mass General Brigham Personalized Medicine).

NM_001927.4(DES):c.853G>A (p.Ala285Thr)

Gene: DES (desmin; plus strand). Cytogenetic location: 2q35.
Variant type: single nucleotide variant.
Coding change: c.853G>A on transcript NM_001927.4 (MANE Select); coding-DNA position 853, G replaced by A.
Protein change: p.Ala285Thr; replaces alanine 285 with threonine.
Molecular consequence: missense variant.
Genome position (GRCh38, 1-based): chr2:219,420,612, G>A. VCF-style: chr2-219420612-G-A. GRCh37 (hg19) VCF-style: chr2-220285334-G-A.
Other names: short protein forms A285T.
Identifiers: ClinVar variation 228551 (VCV000228551.12), dbSNP rs876657771, ClinGen allele CA10576590.